The following is an entry in ClinVar:

NM_014989.7(RIMS1):c.1857+61C>T

Gene: RIMS1 (regulating synaptic membrane exocytosis 1; plus strand). Cytogenetic location: 6q13.
Variant type: single nucleotide variant.
Coding change: c.1857+61C>T on transcript NM_014989.7 (MANE Select); 61 bases into the intron after coding-DNA position 1857, C replaced by T.
Molecular consequence: intron variant.
Genome position (GRCh38, 1-based): chr6:72,235,789, C>T. VCF-style: chr6-72235789-C-T. GRCh37 (hg19) VCF-style: chr6-72945492-C-T.
Other names: c.210+61C>T (NM_001350428.2, NM_001350459.2, NM_001350424.2 and 6 more transcripts); c.279+61C>T (NM_001350458.2, NM_001350433.2, NM_001350446.2 and 37 more transcripts); c.36+61C>T (NM_001350469.2, NM_001168409.2, NM_001350466.2 and 6 more transcripts); c.234+61C>T (NM_001350470.2, NM_001168410.2, NM_001350473.2 and 2 more transcripts).
Identifiers: ClinVar variation 677182 (VCV000677182.1), dbSNP rs2807519, ClinGen allele CA16268807.

ClinVar aggregate classification (germline): Benign (1 of 4 stars; one submission).

Allele frequency attached by ClinVar (database versions not stated): gnomAD 0.64829 and 0.65475; TOPMed 0.66792; 1000 Genomes Project 0.75759; 1000 Genomes Project 30x 0.75890.
gnomAD v4.1: 499,113 of 797,446 alleles (63%); highest among the groups gnomAD compares: East Asian, 98%; 160,319 homozygotes.

Submission:

GeneDx
Classification: Benign. Last evaluated: 2018-06-14. Review status: criteria provided, single submitter. Criteria: GeneDx Variant Classification (06012015). Collection method: clinical testing. Allele origin: germline. Affected: yes.
Comment: This variant is considered likely benign or benign based on one or more of the following criteria: it is a conservative change, it occurs at a poorly conserved position in the protein, it is predicted to be benign by multiple in silico algorithms, and/or has population frequency not consistent with disease.